The following is an entry in ClinVar:

NM_014140.4(SMARCAL1):c.1784T>G (p.Ile595Ser)

Gene: SMARCAL1 (SNF2 related chromatin remodeling annealing helicase 1; plus strand). Cytogenetic location: 2q35.
Variant type: single nucleotide variant.
Coding change: c.1784T>G on transcript NM_014140.4 (MANE Select); coding-DNA position 1784, T replaced by G.
Protein change: p.Ile595Ser; replaces isoleucine 595 with serine.
Molecular consequence: missense variant.
Genome position (GRCh38, 1-based): chr2:216,447,091, T>G. VCF-style: chr2-216447091-T-G. GRCh37 (hg19) VCF-style: chr2-217311814-T-G.
Other names: c.1784T>G, p.Ile595Ser (NM_001127207.2); short protein forms I595S.
Identifiers: ClinVar variation 1951350 (VCV001951350.5), dbSNP rs2469012570, ClinGen allele CA350501739.

ClinVar aggregate classification (germline): Uncertain significance (1 of 4 stars; one submission).

Conditions:
Schimke immuno-osseous dysplasia (SIOD). Also called: Schimke Immunoosseous Dysplasia. Identifiers: Orphanet 1830, MedGen C0877024, MONDO:0009458, OMIM 242900.

Submission:

Labcorp Genetics (formerly Invitae), Labcorp
Classification: Uncertain significance for Schimke immuno-osseous dysplasia. Last evaluated: 2022-03-14. Review status: criteria provided, single submitter. Criteria: Invitae Variant Classification Sherloc (09022015). Collection method: clinical testing. Allele origin: germline.
Comment: In summary, the available evidence is currently insufficient to determine the role of this variant in disease. Therefore, it has been classified as a Variant of Uncertain Significance. Algorithms developed to predict the effect of missense changes on protein structure and function (SIFT, PolyPhen-2, Align-GVGD) all suggest that this variant is likely to be tolerated. This variant has not been reported in the literature in individuals affected with SMARCAL1-related conditions. This variant is not present in population databases (gnomAD no frequency). This sequence change replaces isoleucine, which is neutral and non-polar, with serine, which is neutral and polar, at codon 595 of the SMARCAL1 protein (p.Ile595Ser).